The following is an entry in ClinVar:

ClinVar aggregate classification (germline): Uncertain significance. Review status: criteria provided, multiple submitters, no conflicts (2 of 4 stars). 2 submissions from 2 submitters: Uncertain significance (2). Last evaluated 2025-03-31.

Allele frequency attached by ClinVar (database versions not stated): gnomAD exomes below 0.00001.
gnomAD v4.1: 2 of 1,611,036 alleles (0.00012%); highest among the groups gnomAD compares: Non-Finnish European, 0.00017%; no homozygotes.

Submissions (2):

Ambry Genetics
Classification: Uncertain significance. Last evaluated: 2025-03-31. Review status: criteria provided, single submitter. Criteria: Ambry Variant Classification Scheme 2023. Collection method: clinical testing. Allele origin: germline.
Comment: The p.S199R variant (also known as c.595A>C), located in coding exon 6 of the FAM175A gene, results from an A to C substitution at nucleotide position 595. The serine at codon 199 is replaced by arginine, an amino acid with dissimilar properties. This amino acid position is conserved. In addition, this alteration is predicted to be tolerated by in silico analysis. Since supporting evidence is limited at this time, the clinical significance of this alteration remains unclear.

Labcorp Genetics (formerly Invitae), Labcorp
Classification: Uncertain significance. Last evaluated: 2022-07-05. Review status: criteria provided, single submitter. Criteria: Invitae Variant Classification Sherloc (09022015). Collection method: clinical testing. Allele origin: germline.
Comment: Algorithms developed to predict the effect of missense changes on protein structure and function output the following: SIFT: "Tolerated"; PolyPhen-2: "Benign"; Align-GVGD: "Class C0". The arginine amino acid residue is found in multiple mammalian species, which suggests that this missense change does not adversely affect protein function. ClinVar contains an entry for this variant (Variation ID: 1015772). This variant has not been reported in the literature in individuals affected with ABRAXAS1-related conditions. This variant is not present in population databases (gnomAD no frequency). This sequence change replaces serine, which is neutral and polar, with arginine, which is basic and polar, at codon 199 of the ABRAXAS1 protein (p.Ser199Arg). Algorithms developed to predict the effect of sequence changes on RNA splicing suggest that this variant may disrupt the consensus splice site. In summary, the available evidence is currently insufficient to determine the role of this variant in disease. Therefore, it has been classified as a Variant of Uncertain Significance.

NM_139076.3(ABRAXAS1):c.595A>C (p.Ser199Arg)

Gene: ABRAXAS1 (abraxas 1, BRCA1 A complex subunit; minus strand). Cytogenetic location: 4q21.23.
Variant type: single nucleotide variant.
Coding change: c.595A>C on transcript NM_139076.3 (MANE Select); coding-DNA position 595, A replaced by C.
Protein change: p.Ser199Arg; replaces serine 199 with arginine.
Molecular consequence: missense variant.
Genome position (GRCh38, 1-based): chr4:83,469,033, T>G on the plus strand (A>C on the coding strand, the complement: ABRAXAS1 is on the minus strand). VCF-style: chr4-83469033-T-G. GRCh37 (hg19) VCF-style: chr4-84390186-T-G.
Other names: c.268A>C, p.Ser90Arg (NM_001345962.2); c.595A>C (NM_139076.2); short protein forms S199R, S90R.
Identifiers: ClinVar variation 1015772 (VCV001015772.11), dbSNP rs1722484545, ClinGen allele CA357259331.
Genomic context (GRCh38, chr4:83,469,033, plus strand): 5'-ATAAGAAAATTAATTTCAAAGATGAATAGAAGTTTTGTGAGAAAGCAGTTGAATCTTACC[T>G]GTGTGTTTGTACTGCTCGGCTAAAACCAGTGGACATACAGGAACCTGATACAGTTTTATA-3'
Protein context (NP_620775.2, residues 189-209): TGFSRAVQTH[Ser199Arg]SKFFEEDGSL